The following is an entry in ClinVar:

ClinVar aggregate classification (germline): Conflicting classifications of pathogenicity. Review status: criteria provided, conflicting classifications (1 of 4 stars). 3 submissions from 3 submitters: Uncertain significance (1); Benign (1); Likely benign (1). Last evaluated 2025-05-29.

Conditions:
Kennedy disease (SMAX1). Also called: SPINAL AND BULBAR MUSCULAR ATROPHY, X-LINKED 1; KENNEDY SPINAL AND BULBAR MUSCULAR ATROPHY; Spinal and Bulbar Muscular Atrophy. Identifiers: Orphanet 481, MedGen C1839259, MONDO:0010735, OMIM 313200.
Androgen resistance syndrome (AIS). Also called: ANDROGEN RECEPTOR DEFICIENCY; DIHYDROTESTOSTERONE RECEPTOR DEFICIENCY; Androgen insensitivity, complete; Androgen insensitivity; TESTICULAR FEMINIZATION SYNDROME; Androgen insensitivity syndrome. Identifiers: Orphanet 754, Orphanet 99429, MedGen C0039585, MONDO:0019154, OMIM 300068. Disease mechanism: loss of function.
Inborn genetic diseases. Identifiers: MedGen C0950123, MeSH D030342.

Allele frequency attached by ClinVar (database versions not stated): gnomAD 0.00015; gnomAD exomes 0.00024.
gnomAD v4.1: 272 of 1,181,780 alleles (0.023%); highest among the groups gnomAD compares: Non-Finnish European, 0.029%; no homozygotes.

Submissions (3):

Ambry Genetics
Classification: Uncertain significance for Inborn genetic diseases. Last evaluated: 2025-05-29. Review status: criteria provided, single submitter. Criteria: Ambry Variant Classification Scheme 2023. Collection method: clinical testing. Allele origin: germline.

CeGaT Center for Human Genetics Tuebingen
Classification: Likely benign. Last evaluated: 2025-02-01. Review status: criteria provided, single submitter. Criteria: CeGaT Center For Human Genetics Tuebingen Variant Classification Criteria Version 2. Collection method: clinical testing. Allele origin: germline. Affected: yes. Observed: 1 variant allele.
Comment: AR: BS2

Labcorp Genetics (formerly Invitae), Labcorp
Classification: Benign for Kennedy disease; Androgen resistance syndrome. Last evaluated: 2024-08-12. Review status: criteria provided, single submitter. Criteria: Invitae Variant Classification Sherloc (09022015). Collection method: clinical testing. Allele origin: germline.

NM_000044.6(AR):c.1235C>A (p.Ala412Glu)

Gene: AR (androgen receptor; plus strand). Cytogenetic location: Xq12.
Variant type: single nucleotide variant.
Coding change: c.1235C>A on transcript NM_000044.6 (MANE Select); coding-DNA position 1235, C replaced by A.
Protein change: p.Ala412Glu; replaces alanine 412 with glutamic acid.
Molecular consequence: missense variant. On other transcripts: 5 prime UTR variant (1).
Genome position (GRCh38, 1-based): chrX:67,546,381, C>A. VCF-style: chrX-67546381-C-A. GRCh37 (hg19) VCF-style: chrX-66766223-C-A.
Other names: c.-549C>A (NM_001011645.3); c.1235C>A, p.Ala412Glu (NM_001348061.1, NM_001348063.1, NM_001348064.1); short protein forms A412E.
Identifiers: ClinVar variation 2469054 (VCV002469054.18), dbSNP rs762550472, ClinGen allele CA10436404.